The following is an entry in ClinVar:

ClinVar aggregate classification (germline): Uncertain significance. Review status: criteria provided, multiple submitters, no conflicts (2 of 4 stars). 3 submissions from 3 submitters: Uncertain significance (3). Last evaluated 2025-08-30.

Conditions:
Inborn genetic diseases. Identifiers: MedGen C0950123, MeSH D030342.

Allele frequency attached by ClinVar (database versions not stated): gnomAD 0.00001; TOPMed 0.00001; ExAC 0.00002; gnomAD exomes 0.00002; ESP Exome Variant Server 0.00008.
gnomAD v4.1: 52 of 1,611,758 alleles (0.0032%); highest among the groups gnomAD compares: Non-Finnish European, 0.004%; no homozygotes.

Submissions (3):

Ambry Genetics
Classification: Uncertain significance for Inborn genetic diseases. Last evaluated: 2025-08-30. Review status: criteria provided, single submitter. Criteria: Ambry Variant Classification Scheme 2023. Collection method: clinical testing. Allele origin: germline.

Labcorp Genetics (formerly Invitae), Labcorp
Classification: Uncertain significance. Last evaluated: 2023-05-13. Review status: criteria provided, single submitter. Criteria: Invitae Variant Classification Sherloc (09022015). Collection method: clinical testing. Allele origin: germline.
Comment: In summary, the available evidence is currently insufficient to determine the role of this variant in disease. Therefore, it has been classified as a Variant of Uncertain Significance. An algorithm developed to predict the effect of missense changes on protein structure and function (PolyPhen-2) suggests that this variant is likely to be disruptive. ClinVar contains an entry for this variant (Variation ID: 392754). This variant has not been reported in the literature in individuals affected with ASPM-related conditions. This variant is present in population databases (rs140119849, gnomAD 0.004%). This sequence change replaces tyrosine, which is neutral and polar, with cysteine, which is neutral and slightly polar, at codon 3128 of the ASPM protein (p.Tyr3128Cys).

GeneDx
Classification: Uncertain significance. Last evaluated: 2017-01-16. Review status: criteria provided, single submitter. Criteria: GeneDx Variant Classification (06012015). Collection method: clinical testing. Allele origin: germline. Affected: yes.
Comment: A variant of uncertain significance has been identified in the ASPM gene. The Y3128C variant has not been published as a pathogenic variant, nor has it been reported as a benign variant to our knowledge. The Y3128C variant is not observed at a significant frequency in large population cohorts (Lek et al., 2016; 1000 Genomes Consortium et al., 2015; Exome Variant Server). The Y3128C variant is a non-conservative amino acid substitution, which is likely to impact secondary protein structure as these residues differ in polarity, charge, size and/or other properties. However, this substitution occurs at a position that is not conserved and in silico analysis is inconsistent in its predictions as to whether or not the variant is damaging to the protein structure/function. Therefore, based on the currently available information, it is unclear whether this variant is a pathogenic variant or a rare benign variant.

NM_018136.5(ASPM):c.9383A>G (p.Tyr3128Cys)

Gene: ASPM (assembly factor for spindle microtubules; minus strand). Cytogenetic location: 1q31.3.
Variant type: single nucleotide variant.
Coding change: c.9383A>G on transcript NM_018136.5 (MANE Select); coding-DNA position 9383, A replaced by G.
Protein change: p.Tyr3128Cys; replaces tyrosine 3128 with cysteine.
Molecular consequence: missense variant.
Genome position (GRCh38, 1-based): chr1:197,091,968, T>C on the plus strand (A>G on the coding strand, the complement: ASPM is on the minus strand). VCF-style: chr1-197091968-T-C. GRCh37 (hg19) VCF-style: chr1-197061098-T-C.
Other names: c.4628A>G, p.Tyr1543Cys (NM_001206846.2); short protein forms Y3128C, Y1543C.
Identifiers: ClinVar variation 392754 (VCV000392754.4), dbSNP rs140119849, ClinGen allele CA1308968.